The following is an entry in ClinVar:

ClinVar aggregate classification (germline): Uncertain significance (1 of 4 stars; one submission).

gnomAD v4.1: 7 of 1,588,106 alleles (0.00044%); highest among the groups gnomAD compares: Admixed American, 0.0035%; no homozygotes.

Submission:

Labcorp Genetics (formerly Invitae), Labcorp
Classification: Uncertain significance. Last evaluated: 2025-10-23. Review status: criteria provided, single submitter. Criteria: Invitae Variant Classification Sherloc (09022015). Collection method: clinical testing. Allele origin: germline.
Comment: This sequence change replaces arginine, which is basic and polar, with tryptophan, which is neutral and slightly polar, at codon 240 of the DNAJB11 protein (p.Arg240Trp). The frequency data for this variant in the population databases is considered unreliable, as metrics indicate poor data quality at this position in the gnomAD database. This variant has not been reported in the literature in individuals affected with DNAJB11-related conditions. Invitae Evidence Modeling of protein sequence and biophysical properties (such as structural, functional, and spatial information, amino acid conservation, physicochemical variation, residue mobility, and thermodynamic stability) indicates that this missense variant is not expected to disrupt DNAJB11 protein function with a negative predictive value of 80%. In summary, the available evidence is currently insufficient to determine the role of this variant in disease. Therefore, it has been classified as a Variant of Uncertain Significance.

NM_016306.6(DNAJB11):c.718C>T (p.Arg240Trp)

Gene: DNAJB11 (DnaJ heat shock protein family (Hsp40) member B11; plus strand). Cytogenetic location: 3q27.3.
Variant type: single nucleotide variant.
Coding change: c.718C>T on transcript NM_016306.6 (MANE Select); coding-DNA position 718, C replaced by T.
Protein change: p.Arg240Trp; replaces arginine 240 with tryptophan.
Molecular consequence: missense variant. On other transcripts: non-coding transcript variant (6).
Genome position (GRCh38, 1-based): chr3:186,582,751, C>T. VCF-style: chr3-186582751-C-T. GRCh37 (hg19) VCF-style: chr3-186300540-C-T.
Other names: c.442C>T, p.Arg148Trp (NM_001378451.1); short protein forms R240W, R148W.
Identifiers: ClinVar variation 4763973 (VCV004763973.1).
Genomic context (GRCh38, chr3:186,582,751, plus strand): 5'-ATATGCTGTAATCTGCTCTGACTAGGTGAGCCTCACGTGGATGGGGAGCCTGGAGATTTA[C>T]GGTTCCGAATCAAAGTTGTCAAGTAAGTAATCTAATTTTAGAGGTCTTCTCAGATGAGTC-3'
Protein context (NP_057390.1, residues 230-250): PHVDGEPGDL[Arg240Trp]FRIKVVKHPI